The following is an entry in ClinVar:

ClinVar aggregate classification (germline): Uncertain significance (1 of 4 stars; one submission).

Conditions:
Familial hemophagocytic lymphohistiocytosis 4 (FHL4). Also called: STX11-Related Familial Hemophagocytic Lymphohistiocytosis (STX11-fHLH). Identifiers: Orphanet 540, MedGen C1863728, MONDO:0011336, OMIM 603552.

Submission:

Labcorp Genetics (formerly Invitae), Labcorp
Classification: Uncertain significance for Familial hemophagocytic lymphohistiocytosis 4. Last evaluated: 2021-08-24. Review status: criteria provided, single submitter. Criteria: Invitae Variant Classification Sherloc (09022015). Collection method: clinical testing. Allele origin: germline.
Comment: This sequence change replaces glutamic acid with glutamine at codon 213 of the STX11 protein (p.Glu213Gln). The glutamic acid residue is highly conserved and there is a small physicochemical difference between glutamic acid and glutamine. This variant is not present in population databases (ExAC no frequency). This variant has not been reported in the literature in individuals affected with STX11-related conditions. Algorithms developed to predict the effect of missense changes on protein structure and function (SIFT, PolyPhen-2, Align-GVGD) all suggest that this variant is likely to be disruptive. In summary, the available evidence is currently insufficient to determine the role of this variant in disease. Therefore, it has been classified as a Variant of Uncertain Significance.

NM_003764.4(STX11):c.637G>C (p.Glu213Gln)

Gene: STX11 (syntaxin 11; plus strand). Cytogenetic location: 6q24.2.
Variant type: single nucleotide variant.
Coding change: c.637G>C on transcript NM_003764.4 (MANE Select); coding-DNA position 637, G replaced by C.
Protein change: p.Glu213Gln; replaces glutamic acid 213 with glutamine.
Molecular consequence: missense variant.
Genome position (GRCh38, 1-based): chr6:144,187,264, G>C. VCF-style: chr6-144187264-G-C. GRCh37 (hg19) VCF-style: chr6-144508401-G-C.
Other names: short protein forms E213Q.
Identifiers: ClinVar variation 958974 (VCV000958974.7), dbSNP rs1802079651, ClinGen allele CA365949676.